The following is an entry in ClinVar:

NM_001206927.2(DNAH8):c.11106A>T (p.Glu3702Asp)

Genes: DNAH8 (dynein axonemal heavy chain 8; plus strand), DNAH8-AS1 (DNAH8 antisense RNA 1; minus strand). Cytogenetic location: 6p21.2.
Variant type: single nucleotide variant.
Coding change: c.11106A>T on transcript NM_001206927.2 (MANE Select); coding-DNA position 11106, A replaced by T.
Protein change: p.Glu3702Asp; replaces glutamic acid 3702 with aspartic acid.
Molecular consequence: missense variant.
Genome position (GRCh38, 1-based): chr6:38,926,198, A>T. VCF-style: chr6-38926198-A-T. GRCh37 (hg19) VCF-style: chr6-38893974-A-T.
Other names: c.10455A>T, p.Glu3485Asp (NM_001371.4); short protein forms E3485D, E3702D.
Identifiers: ClinVar variation 859115 (VCV000859115.9), dbSNP rs113496494, ClinGen allele CA3790906.
Genomic context (GRCh38, chr6:38,926,198, plus strand): 5'-CCCACTCCTCATAGACCCACAAACTCAAGGCAAAACTTGGATTAAATCAAAGGAAAAAGA[A>T]AATGATTTACAGGTATGTAGCATTTGGTGCAGGGGAAAGTAATCTTGAAATCATGAAACT-3'
Protein context (NP_001193856.1, residues 3692-3712): GKTWIKSKEK[Glu3702Asp]NDLQVTSLNH

ClinVar aggregate classification (germline): Uncertain significance. Review status: criteria provided, multiple submitters, no conflicts (2 of 4 stars). 3 submissions from 3 submitters: Uncertain significance (3). Last evaluated 2024-08-27.

Conditions:
Primary ciliary dyskinesia. Also called: Ciliary dyskinesia. Identifiers: Orphanet 244, MedGen C0008780, MONDO:0016575, HP:0012265.
Spermatogenic failure 46. Identifiers: MedGen C5436799, MONDO:0033673, OMIM 619095.

Allele frequency attached by ClinVar (database versions not stated): gnomAD exomes 0.00001 and 0.00003; ExAC 0.00004; gnomAD 0.00005; TOPMed 0.00007; ESP Exome Variant Server 0.00015.
gnomAD v4.1: 22 of 1,613,450 alleles (0.0014%); highest among the groups gnomAD compares: Non-Finnish European, 0.0017%; no homozygotes.

Submissions (3):

Ambry Genetics
Classification: Uncertain significance. Last evaluated: 2024-08-27. Review status: criteria provided, single submitter. Criteria: Ambry Variant Classification Scheme 2023. Collection method: clinical testing. Allele origin: germline.

Fulgent Genetics
Classification: Uncertain significance for Spermatogenic failure 46. Last evaluated: 2024-03-29. Review status: criteria provided, single submitter. Criteria: ACMG Guidelines, 2015. Collection method: clinical testing. Allele origin: germline.

Labcorp Genetics (formerly Invitae), Labcorp
Classification: Uncertain significance for Primary ciliary dyskinesia. Last evaluated: 2021-08-31. Review status: criteria provided, single submitter. Criteria: Invitae Variant Classification Sherloc (09022015). Collection method: clinical testing. Allele origin: germline.
Comment: This sequence change replaces glutamic acid with aspartic acid at codon 3702 of the DNAH8 protein (p.Glu3702Asp). The glutamic acid residue is moderately conserved and there is a small physicochemical difference between glutamic acid and aspartic acid. This variant is present in population databases (rs113496494, ExAC 0.01%). This variant has not been reported in the literature in individuals affected with DNAH8-related conditions. Algorithms developed to predict the effect of missense changes on protein structure and function are either unavailable or do not agree on the potential impact of this missense change (SIFT: "Tolerated"; PolyPhen-2: "Not Available"; Align-GVGD: "Class C0"). In summary, the available evidence is currently insufficient to determine the role of this variant in disease. Therefore, it has been classified as a Variant of Uncertain Significance.